The following is an entry in ClinVar:

NM_004656.4(BAP1):c.1687_1688insTAC (p.Leu562_His563insLeu)

Gene: BAP1 (BRCA1 associated deubiquitinase 1; minus strand). Cytogenetic location: 3p21.1.
Variant type: Insertion.
Coding change: c.1687_1688insTAC on transcript NM_004656.4 (MANE Select); coding-DNA positions 1687 to 1688, TAC inserted.
Protein change: p.Leu562_His563insLeu.
Molecular consequence: inframe insertion. On other transcripts: inframe indel (1).
Genome position: GRCh38 VCF-style: chr3-52403457-T-TGTA. GRCh37 (hg19) VCF-style: chr3-52437473-T-TGTA.
Other names: c.1633_1634insTAC, p.Leu544_His545insLeu (NM_001410772.1); c.1687_1688insTAC (NM_004656.2).
Identifiers: ClinVar variation 4620580 (VCV004620580.1).

ClinVar aggregate classification (germline): Uncertain significance (1 of 4 stars; one submission).

Conditions:
Hereditary cancer-predisposing syndrome. Also called: Neoplastic Syndromes, Hereditary; Tumor predisposition; Hereditary Cancer Syndrome; Hereditary neoplastic syndrome. Identifiers: Orphanet 140162, MedGen C0027672, MeSH D009386, MONDO:0015356.

Submission:

Ambry Genetics
Classification: Uncertain significance for Hereditary cancer-predisposing syndrome. Last evaluated: 2025-10-09. Review status: criteria provided, single submitter. Criteria: Ambry Variant Classification Scheme 2023. Collection method: clinical testing. Allele origin: germline.
Comment: The c.1687_1688insTAC variant (also known as p.L562dup), located in coding exon 13 of the BAP1 gene, results from an in-frame TAC insertion at nucleotide positions 1687 to 1688. This results in the insertion of a leucine residue at codons 562. This amino acid position is highly conserved in available vertebrate species. In addition, the in silico prediction for this variant is inconclusive (Choi Y et al. PLoS ONE. 2012; 7(10):e46688). Based on the available evidence, the clinical significance of this variant remains unclear.